The following is an entry in ClinVar:

NM_022552.5(DNMT3A):c.2252TCT[1] (p.Phe752del)

Gene: DNMT3A (DNA methyltransferase 3 alpha; minus strand). Cytogenetic location: 2p23.3.
Variant type: Microsatellite.
Coding change: c.2252TCT[1] on transcript NM_022552.5 (MANE Select); one copy of the 3-base unit TCT starting at c.2252; the reference has two copies in a row; one copy, 3 bases deleted; also written c.2255_2257del.
Protein change: p.Phe752del; deletes phenylalanine 752.
Molecular consequence: non-coding transcript variant (on NR_135490.2).
Genome position (GRCh38, 1-based): chr2:25,240,367-25,240,369, AGA deleted on the plus strand (TCT on the coding strand, the reverse complement: DNMT3A is on the minus strand); deleting any 3 consecutive bases within chr2:25,240,367-25,240,374 gives the same sequence; the position shown is the placement nearest the transcript's 3' end. VCF-style (leftmost placement, unchanged base first): chr2-25240366-CAGA-C. GRCh37 (hg19) VCF-style: chr2-25463235-CAGA-C.
Other names: c.1796TCT[1], p.Phe600del (NM_001320893.1); c.1583TCT[1], p.Phe529del (NM_001375819.1); c.1685TCT[1], p.Phe563del (NM_153759.3); c.2252TCT[1], p.Phe752del (NM_175629.2); c.2255_2257del (NM_175629.2, NM_022552.5); short protein forms F529del, F563del, F600del, F752del.
Identifiers: ClinVar variation 3340393 (VCV003340393.2).

ClinVar aggregate classification (germline): Likely pathogenic. Review status: criteria provided, single submitter (1 of 4 stars). 2 submissions from 2 submitters: Likely pathogenic (1). 1 of the submissions does not count toward it. Last evaluated 2023-05-23.

Conditions:
Tatton-Brown-Rahman overgrowth syndrome. Also called: Tatton-Brown-Rahman syndrome; Tall stature-intellectual disability-facial dysmorphism syndrome. Identifiers: Orphanet 404443, MedGen C4014545, MONDO:0014382, OMIM 615879.

Submissions (2):

GeneDx
Classification: Likely pathogenic. Last evaluated: 2023-05-23. Review status: criteria provided, single submitter. Criteria: GeneDx Variant Classification Process June 2021. Collection method: clinical testing. Allele origin: germline. Affected: yes.
Comment: Not observed at significant frequency in large population cohorts (gnomAD); In-frame deletion of 1 amino acid in a non-repeat region; In silico analysis supports a deleterious effect on protein structure/function; This variant is associated with the following publications: (PMID: 28135719, 28475857, 31785789)

Molecular Genetics Laboratory, BC Children's and BC Women's Hospitals
Classification: Uncertain significance for Tatton-Brown-Rahman overgrowth syndrome. Last evaluated: 2026-03-24. Review status: no assertion criteria provided. Criteria: ACMG Guidelines, 2015. Collection method: clinical testing. Allele origin: de novo. Affected: yes. Not counted in ClinVar's aggregate classification.